The following is an entry in ClinVar:

NM_001029883.3(PCARE):c.996G>A (p.Ala332=)

Gene: PCARE (photoreceptor cilium actin regulator; minus strand). Cytogenetic location: 2p23.2.
Variant type: single nucleotide variant.
Coding change: c.996G>A on transcript NM_001029883.3 (MANE Select); coding-DNA position 996, G replaced by A.
Protein change: p.Ala332=; no amino-acid change (alanine 332 retained).
Molecular consequence: synonymous variant.
Genome position (GRCh38, 1-based): chr2:29,073,266, C>T on the plus strand (G>A on the coding strand, the complement: PCARE is on the minus strand). VCF-style: chr2-29073266-C-T. GRCh37 (hg19) VCF-style: chr2-29296132-C-T.
Identifiers: ClinVar variation 723757 (VCV000723757.11), dbSNP rs202025832, ClinGen allele CA1592526.

ClinVar aggregate classification (germline): Likely benign. Review status: criteria provided, multiple submitters, no conflicts (2 of 4 stars). 3 submissions from 3 submitters: Likely benign (3). Last evaluated 2025-10-29.

Conditions:
PCARE-related disorder. Also called: PCARE-related condition.

Allele frequency attached by ClinVar (database versions not stated): gnomAD 0.00001 and 0.00002; gnomAD exomes 0.00006 and 0.00005; 1000 Genomes Project 0.00020; 1000 Genomes Project 30x 0.00047; ExAC 0.00004; TOPMed 0.00005.

Submissions (3):

PreventionGenetics, part of Exact Sciences
Classification: Likely benign for PCARE-related condition. Last evaluated: 2025-10-29. Review status: criteria provided, single submitter. Criteria: ACMG Guidelines, 2015. Collection method: clinical testing. Allele origin: germline.
Comment: This variant is classified as likely benign based on ACMG/AMP sequence variant interpretation guidelines (Richards et al. 2015 PMID: 25741868, with internal and published modifications).

Labcorp Genetics (formerly Invitae), Labcorp
Classification: Likely benign. Last evaluated: 2025-01-06. Review status: criteria provided, single submitter. Criteria: Invitae Variant Classification Sherloc (09022015). Collection method: clinical testing. Allele origin: germline.

Blueprint Genetics
Classification: Likely benign. Last evaluated: 2022-12-30. Review status: criteria provided, single submitter. Criteria: ACMG Guidelines, 2015. Collection method: clinical testing. Allele origin: germline.